The following is an entry in ClinVar:

ClinVar aggregate classification (germline): Likely benign. Review status: criteria provided, multiple submitters, no conflicts (2 of 4 stars). 3 submissions from 3 submitters: Likely benign (2). 1 of the submissions does not count toward it. Last evaluated 2017-12-13.

Conditions:
DYRK1B-related disorder. Also called: DYRK1B-related condition.

Allele frequency attached by ClinVar (database versions not stated): ExAC 0.00010; gnomAD exomes 0.00010; 1000 Genomes Project 0.00020; TOPMed 0.00031; gnomAD 0.00033 and 0.00036; 1000 Genomes Project 30x 0.00047.
gnomAD v4.1: 92 of 1,614,150 alleles (0.0057%); highest among the groups gnomAD compares: African/African-American, 0.077%; no homozygotes.

Submissions (3):

Labcorp Genetics (formerly Invitae), Labcorp
Classification: Likely benign. Last evaluated: 2017-12-13. Review status: criteria provided, single submitter. Criteria: Invitae Variant Classification Sherloc (09022015). Collection method: clinical testing. Allele origin: germline.

Breakthrough Genomics
Classification: Likely benign. Review status: criteria provided, single submitter. Criteria: ACMG Guidelines, 2015. Collection method: not provided. Allele origin: germline. Inheritance: Autosomal dominant inheritance. Affected: yes.

PreventionGenetics, part of Exact Sciences
Classification: Likely benign for DYRK1B-related condition. Last evaluated: 2022-02-17. Review status: no assertion criteria provided. Collection method: clinical testing. Allele origin: germline. Not counted in ClinVar's aggregate classification.
Comment: This variant is classified as likely benign based on ACMG/AMP sequence variant interpretation guidelines (Richards et al. 2015 PMID: 25741868, with internal and published modifications).

NM_004714.3(DYRK1B):c.333C>T (p.Tyr111=)

Gene: DYRK1B (dual specificity tyrosine phosphorylation regulated kinase 1B; minus strand). Cytogenetic location: 19q13.2.
Variant type: single nucleotide variant.
Coding change: c.333C>T on transcript NM_004714.3 (MANE Select); coding-DNA position 333, C replaced by T.
Protein change: p.Tyr111=; no amino-acid change (tyrosine 111 retained).
Molecular consequence: synonymous variant.
Genome position (GRCh38, 1-based): chr19:39,830,414, G>A on the plus strand (C>T on the coding strand, the complement: DYRK1B is on the minus strand). VCF-style: chr19-39830414-G-A. GRCh37 (hg19) VCF-style: chr19-40321054-G-A.
Other names: c.333C>T, p.Tyr111= (NM_006483.3, NM_006484.3).
Identifiers: ClinVar variation 738135 (VCV000738135.6), dbSNP rs538648311, ClinGen allele CA9434361.